The following is an entry in ClinVar:

NM_007255.3(B4GALT7):c.106G>A (p.Val36Met)

Gene: B4GALT7 (beta-1,4-galactosyltransferase 7; plus strand). Cytogenetic location: 5q35.3.
Variant type: single nucleotide variant.
Coding change: c.106G>A on transcript NM_007255.3 (MANE Select); coding-DNA position 106, G replaced by A.
Protein change: p.Val36Met; replaces valine 36 with methionine.
Molecular consequence: missense variant.
Genome position (GRCh38, 1-based): chr5:177,604,234, G>A. VCF-style: chr5-177604234-G-A. GRCh37 (hg19) VCF-style: chr5-177031235-G-A.
Other names: short protein forms V36M.
Identifiers: ClinVar variation 1924710 (VCV001924710.2), dbSNP rs765468044, ClinGen allele CA3586380.

ClinVar aggregate classification (germline): Uncertain significance (1 of 4 stars; one submission).

Conditions:
Spondylodysplastic Ehlers-Danlos syndrome. Identifiers: Orphanet 536471, Orphanet 75496, MedGen C5680154, MONDO:0007526.

Allele frequency attached by ClinVar (database versions not stated): gnomAD exomes below 0.00001; gnomAD 0.00001; ExAC 0.00002; TOPMed 0.00003.
gnomAD v4.1: 8 of 1,613,542 alleles (0.0005%); highest among the groups gnomAD compares: Admixed American, 0.0033%; no homozygotes.

Submission:

Labcorp Genetics (formerly Invitae), Labcorp
Classification: Uncertain significance for Spondylodysplastic Ehlers-Danlos syndrome. Last evaluated: 2022-08-01. Review status: criteria provided, single submitter. Criteria: Invitae Variant Classification Sherloc (09022015). Collection method: clinical testing. Allele origin: germline.
Comment: This sequence change replaces valine, which is neutral and non-polar, with methionine, which is neutral and non-polar, at codon 36 of the B4GALT7 protein (p.Val36Met). The frequency data for this variant in the population databases is considered unreliable, as metrics indicate poor data quality at this position in the gnomAD database. This variant has not been reported in the literature in individuals affected with B4GALT7-related conditions. Algorithms developed to predict the effect of missense changes on protein structure and function (SIFT, PolyPhen-2, Align-GVGD) all suggest that this variant is likely to be tolerated. In summary, the available evidence is currently insufficient to determine the role of this variant in disease. Therefore, it has been classified as a Variant of Uncertain Significance.